The following is an entry in ClinVar:

ClinVar aggregate classification (germline): Uncertain significance (1 of 4 stars; one submission).

Conditions:
Spastic paraplegia. Identifiers: MedGen C0037772, HP:0001258.

Submission:

Labcorp Genetics (formerly Invitae), Labcorp
Classification: Uncertain significance for Spastic paraplegia. Last evaluated: 2022-01-01. Review status: criteria provided, single submitter. Criteria: Invitae Variant Classification Sherloc (09022015). Collection method: clinical testing. Allele origin: germline.
Comment: This sequence change replaces glycine, which is neutral and non-polar, with serine, which is neutral and polar, at codon 186 of the GJC2 protein (p.Gly186Ser). This variant is present in population databases (rs201277546, gnomAD 0.009%). This variant has not been reported in the literature in individuals affected with GJC2-related conditions. Algorithms developed to predict the effect of missense changes on protein structure and function output the following: SIFT: "Tolerated"; PolyPhen-2: "Benign"; Align-GVGD: "Class C0". The serine amino acid residue is found in multiple mammalian species, which suggests that this missense change does not adversely affect protein function. In summary, the available evidence is currently insufficient to determine the role of this variant in disease. Therefore, it has been classified as a Variant of Uncertain Significance.

NM_020435.4(GJC2):c.556G>A (p.Gly186Ser)

Gene: GJC2 (gap junction protein gamma 2; plus strand). Cytogenetic location: 1q42.13.
Variant type: single nucleotide variant.
Coding change: c.556G>A on transcript NM_020435.4 (MANE Select); coding-DNA position 556, G replaced by A.
Protein change: p.Gly186Ser; replaces glycine 186 with serine.
Molecular consequence: missense variant.
Genome position (GRCh38, 1-based): chr1:228,158,314, G>A. VCF-style: chr1-228158314-G-A. GRCh37 (hg19) VCF-style: chr1-228346015-G-A.
Other names: short protein forms G186S.
Identifiers: ClinVar variation 2156041 (VCV002156041.4), dbSNP rs201277546, ClinGen allele CA1430877.